The following is an entry in ClinVar:

ClinVar aggregate classification (germline): Pathogenic (1 of 4 stars; one submission).

Conditions:
Arrhythmogenic cardiomyopathy with wooly hair and keratoderma. Also called: PALMOPLANTAR KERATODERMA WITH LEFT VENTRICULAR CARDIOMYOPATHY AND WOOLLY HAIR; Carvajal syndrome; Dilated cardiomyopathy with woolly hair and keratoderma; Arrhythmogenic cardiomyopathy with woolly hair and keratoderma. Identifiers: Orphanet 65282, MedGen C1854063, MONDO:0011581, OMIM 605676.
Arrhythmogenic right ventricular dysplasia 8 (ARVD8). Also called: Arrhythmogenic Right Ventricular Dysplasia/Cardiomyopathy 8; ARRHYTHMOGENIC RIGHT VENTRICULAR DYSPLASIA, FAMILIAL, 8; ARRHYTHMOGENIC RIGHT VENTRICULAR CARDIOMYOPATHY 8. Identifiers: MedGen C1843896, MONDO:0011831, OMIM 607450.

Submission:

Labcorp Genetics (formerly Invitae), Labcorp
Classification: Pathogenic for Arrhythmogenic cardiomyopathy with wooly hair and keratoderma; Arrhythmogenic right ventricular dysplasia 8. Last evaluated: 2025-11-23. Review status: criteria provided, single submitter. Criteria: Invitae Variant Classification Sherloc (09022015). Collection method: clinical testing. Allele origin: germline.
Comment: This sequence change creates a premature translational stop signal (p.Gln1870*) in the DSP gene. While this is not anticipated to result in nonsense mediated decay, it is expected to disrupt the last 1002 amino acid(s) of the DSP protein. This variant is not present in population databases (gnomAD no frequency). This variant has not been reported in the literature in individuals affected with DSP-related conditions. This variant disrupts a region of the DSP protein in which other variant(s) (p.Glu2728Glyfs*11 ) have been determined to be pathogenic (internal data). This suggests that this is a clinically significant region of the protein, and that variants that disrupt it are likely to be disease-causing. For these reasons, this variant has been classified as Pathogenic.

NM_004415.4(DSP):c.5608C>T (p.Gln1870Ter)

Gene: DSP (desmoplakin; plus strand). Cytogenetic location: 6p24.3.
Variant type: single nucleotide variant.
Coding change: c.5608C>T on transcript NM_004415.4 (MANE Select); coding-DNA position 5608, C replaced by T.
Protein change: p.Gln1870Ter; replaces glutamine 1870 with a stop codon.
Molecular consequence: nonsense.
Genome position (GRCh38, 1-based): chr6:7,582,870, C>T. VCF-style: chr6-7582870-C-T. GRCh37 (hg19) VCF-style: chr6-7583103-C-T.
Other names: c.3811C>T, p.Gln1271Ter (NM_001008844.3); c.4279C>T, p.Gln1427Ter (NM_001319034.2); short protein forms Q1271*, Q1870*, Q1427*.
Identifiers: ClinVar variation 4790380 (VCV004790380.1).